The following is an entry in ClinVar:

NM_001195305.3(BBIP1):c.148C>G (p.Leu50Val)

Gene: BBIP1 (BBSome interacting protein 1; minus strand). Cytogenetic location: 10q25.2.
Variant type: single nucleotide variant.
Coding change: c.148C>G on transcript NM_001195305.3 (MANE Select); coding-DNA position 148, C replaced by G.
Protein change: p.Leu50Val; replaces leucine 50 with valine.
Molecular consequence: missense variant.
Genome position (GRCh38, 1-based): chr10:110,900,491, G>C on the plus strand (C>G on the coding strand, the complement: BBIP1 is on the minus strand). VCF-style: chr10-110900491-G-C. GRCh37 (hg19) VCF-style: chr10-112660249-G-C.
Other names: c.305C>G, p.Ala102Gly (NM_001195304.2); c.148C>G, p.Leu50Val (NM_001195306.2); c.73C>G, p.Leu25Val (NM_001195307.2); c.82C>G, p.Leu28Val (NM_001243783.3); short protein forms L50V, L25V, A102G, L28V.
Identifiers: ClinVar variation 3651512 (VCV003651512.2).

ClinVar aggregate classification (germline): Uncertain significance (1 of 4 stars; one submission).

gnomAD v4.1: 1 of 1,534,830 alleles (0.000065%); highest among the groups gnomAD compares: South Asian, 0.0012%; no homozygotes.

Submission:

Labcorp Genetics (formerly Invitae), Labcorp
Classification: Uncertain significance. Last evaluated: 2024-04-29. Review status: criteria provided, single submitter. Criteria: Invitae Variant Classification Sherloc (09022015). Collection method: clinical testing. Allele origin: germline.
Comment: This sequence change replaces leucine, which is neutral and non-polar, with valine, which is neutral and non-polar, at codon 50 of the BBIP1 protein (p.Leu50Val). This variant is not present in population databases (gnomAD no frequency). This variant has not been reported in the literature in individuals affected with BBIP1-related conditions. An algorithm developed to predict the effect of missense changes on protein structure and function (PolyPhen-2) suggests that this variant is likely to be disruptive. In summary, the available evidence is currently insufficient to determine the role of this variant in disease. Therefore, it has been classified as a Variant of Uncertain Significance.